The following is an entry in ClinVar:

NM_000419.5(ITGA2B):c.1913dup (p.Cys639fs)

Gene: ITGA2B (integrin subunit alpha 2b; minus strand). Cytogenetic location: 17q21.31.
Variant type: Duplication.
Coding change: c.1913dup on transcript NM_000419.5 (MANE Select); coding-DNA position 1913, one base duplicated (T; older notation c.1913dupT).
Protein change: p.Cys639fs; shifts the reading frame from cysteine 639.
Molecular consequence: frameshift variant.
Genome position (GRCh38, 1-based): chr17:44,378,676, A duplicated on the plus strand (T on the coding strand, the reverse complement: ITGA2B is on the minus strand). VCF-style (leftmost placement, unchanged base first): chr17-44378675-T-TA. GRCh37 (hg19) VCF-style: chr17-42456043-T-TA.
Other names: short protein forms C639fs.
Identifiers: ClinVar variation 996206 (VCV000996206.6), dbSNP rs75028796, ClinGen allele CA290948990.
Genomic context (GRCh38, chr17:44,378,675, plus strand): 5'-GGTCGGGCAGAATGGGAGGCCTCCTCACACGCTGGCAGTGAGCTGAAGCTGGGGCACACA[T>TA]ACGTCATCTTCCCCACAGTCCAGGACGATTCGTGTCTAGAGGGGCACATTGGGGTGTGCG-3'

ClinVar aggregate classification (germline): Pathogenic. Review status: reviewed by expert panel (3 of 4 stars). 2 submissions from 2 submitters: Pathogenic (1). 1 of the submissions does not count toward it. Last evaluated 2020-12-07.

Conditions:
Glanzmann thrombasthenia. Also called: PLATELET GLYCOPROTEIN IIb-IIIa DEFICIENCY; THROMBASTHENIA OF GLANZMANN AND NAEGELI; Thrombasthenia; Glanzmann's thrombasthenia. Identifiers: Orphanet 849, MedGen C0040015, MONDO:0100326.

Allele frequency attached by ClinVar (database versions not stated): gnomAD exomes below 0.00001; TOPMed below 0.00001; gnomAD 0.00001.

Submissions (2):

ClinGen Platelet Disorders Variant Curation Expert Panel, ClinGen
Classification: Pathogenic for Glanzmann thrombasthenia. Last evaluated: 2020-12-07. Review status: reviewed by expert panel. Criteria: ClinGen Platelet ACMG Specifications v2. Collection method: curation. Allele origin: germline. Inheritance: Autosomal recessive inheritance.
Comment: The ITGA2B frameshift variant NM_000419.5:c.1913dup (p.Cys639MetfsTer22) introduces a premature termination codon and the resulting mRNA product is predicted to undergo nonsense mediated decay, leading to loss of normal protein function. This variant has been observed in homozygosity in one individual (Patient LF, PMID: 12083483) and heterozygosity in two individuals (CabGT-2, PMID: 20020534 and Patient ER, PMID: 12083483), at least one of which was reported to have a phenotype specific for Glanzmann's thrombasthenia (GT). Furthermore, this variant is extremely rare in population databases. In summary, this variant meets criteria to be classified as pathogenic for GT. GT-specific criteria applied: PVS1, PP4_strong, PM2_supporting, PM3_supporting.

CeGaT Center for Human Genetics Tuebingen
Classification: Pathogenic. Last evaluated: 2026-01-01. Review status: criteria provided, single submitter. Criteria: CeGaT Center For Human Genetics Tuebingen Variant Classification Criteria Version 2. Collection method: clinical testing. Allele origin: germline. Affected: yes. Observed: 1 variant allele. Not counted in ClinVar's aggregate classification.
Comment: ITGA2B: PVS1, PM2, PM3:Supporting